The following is an entry in ClinVar:

NM_000488.4(SERPINC1):c.265_266delinsGC (p.Arg89Ala)

Gene: SERPINC1 (serpin family C member 1; minus strand). Cytogenetic location: 1q25.1.
Variant type: Indel.
Coding change: c.265_266delinsGC on transcript NM_000488.4 (MANE Select); coding-DNA positions 265 to 266, CG replaced by GC.
Protein change: p.Arg89Ala; replaces arginine 89 with alanine.
Molecular consequence: missense variant.
Genome position (GRCh38, 1-based): chr1:173,914,695-173,914,696, CG replaced by GC on the plus strand (CG replaced by GC on the coding strand, the reverse complement: SERPINC1 is on the minus strand). VCF-style: chr1-173914695-CG-GC. GRCh37 (hg19) VCF-style: chr1-173883833-CG-GC.
Other names: NM_001386306.1:c.265_266delinsGC; c.121_122delinsGC, p.Arg41Ala (NM_001365052.2); c.265_266delinsGC, p.Arg89Ala (NM_001386302.1, NM_001386304.1, NM_001386305.1 and 1 more transcripts); c.346_347delinsGC, p.Arg116Ala (NM_001386303.1); short protein forms R116A, R41A, R89A.
Identifiers: ClinVar variation 3242377 (VCV003242377.1), dbSNP rs2526594990.

ClinVar aggregate classification (germline): Uncertain significance (3 of 4 stars; one submission).

Conditions:
Hereditary antithrombin deficiency (AT3D). Also called: Antithrombin III deficiency; Thrombophilia due to antithrombin III deficiency; Reduced antithrombin III activity; Antithrombin deficiency. Identifiers: Orphanet 82, MedGen C0272375, MONDO:0013144, OMIM 613118, HP:0001976.

Submission:

Clingen Thrombosis Variant Curation Expert Panel, ClinGen
Classification: Uncertain significance for Hereditary antithrombin deficiency. Last evaluated: 2024-01-25. Review status: reviewed by expert panel. Criteria: ClinGen ACMG Specifications SERPINC1 V1.0.0. Collection method: curation. Allele origin: germline. Inheritance: Autosomal dominant inheritance.
Comment: The NM_000488.4(SERPINC1):c.265_266delinsGC variant predicts a missense variant at position 89 from Arginine to Alanine. No patients with AT deficiency and the Arg89Ala variant have been described in the literature, to the best of our knowledge. This variant is completely absent from gnomAD v2.1.1 and v3.1.2. In summary, based on the evidence available at this time, the clinical significance of this variant is uncertain. ACMG/AMP criteria applied, as specified by the Thrombosis Variant Curation Expert Panel for SERPINC1: PM2_Supporting.